The following is an entry in ClinVar:

NM_018100.4(EFHC1):c.379G>C (p.Glu127Gln)

Gene: EFHC1 (EF-hand domain containing 1; plus strand). Cytogenetic location: 6p12.2.
Variant type: single nucleotide variant.
Coding change: c.379G>C on transcript NM_018100.4 (MANE Select); coding-DNA position 379, G replaced by C.
Protein change: p.Glu127Gln; replaces glutamic acid 127 with glutamine.
Molecular consequence: missense variant. On other transcripts: non-coding transcript variant (1).
Genome position (GRCh38, 1-based): chr6:52,438,397, G>C. VCF-style: chr6-52438397-G-C. GRCh37 (hg19) VCF-style: chr6-52303195-G-C.
Other names: c.322G>C, p.Glu108Gln (NM_001172420.2); short protein forms E127Q, E108Q.
Identifiers: ClinVar variation 534107 (VCV000534107.10), dbSNP rs1554258778, ClinGen allele CA364457827.
Genomic context (GRCh38, chr6:52,438,397, plus strand): 5'-GTTCCTATGTCAACTGAGGAACAGTATAGGATCCGTCAGGTGAACATTTACTATTATCTA[G>C]AAGATGACAGCATGTCTGTCATAGAGCCTGTTGTAGAAAATTCTGGAATCCTTCAAGGCA-3'
Protein context (NP_060570.2, residues 117-137): IRQVNIYYYL[Glu127Gln]DDSMSVIEPV

ClinVar aggregate classification (germline): Uncertain significance (1 of 4 stars; one submission).

Conditions:
Absence seizure. Also called: Absence epilepsy. Identifiers: Orphanet 1941, MedGen C0014553.
Myoclonic epilepsy, juvenile, susceptibility to, 1. Also called: Myoclonic Epilepsy, Juvenile, 1; EJM1. Identifiers: MedGen C1850778, MONDO:0020752, OMIM 254770.

Submission:

Labcorp Genetics (formerly Invitae), Labcorp
Classification: Uncertain significance for Myoclonic epilepsy, juvenile, susceptibility to, 1; Absence seizure. Last evaluated: 2017-12-18. Review status: criteria provided, single submitter. Criteria: Invitae Variant Classification Sherloc (09022015). Collection method: clinical testing. Allele origin: germline.
Comment: In summary, the available evidence is currently insufficient to determine the role of this variant in disease. Therefore, it has been classified as a Variant of Uncertain Significance. Algorithms developed to predict the effect of missense changes on protein structure and function do not agree on the potential impact of this missense change (SIFT: "Tolerated"; PolyPhen-2: "Probably Damaging"; Align-GVGD: "Class C0"). This variant has not been reported in the literature in individuals with EFHC1-related disease. This variant is not present in population databases (ExAC no frequency). This sequence change replaces glutamic acid with glutamine at codon 127 of the EFHC1 protein (p.Glu127Gln). The glutamic acid residue is highly conserved and there is a small physicochemical difference between glutamic acid and glutamine.